The following is an entry in ClinVar:

NM_005356.5(LCK):c.160T>G (p.Ser54Ala)

Gene: LCK (LCK proto-oncogene, Src family tyrosine kinase; plus strand). Cytogenetic location: 1p35.2.
Variant type: single nucleotide variant.
Coding change: c.160T>G on transcript NM_005356.5 (MANE Select); coding-DNA position 160, T replaced by G.
Protein change: p.Ser54Ala; replaces serine 54 with alanine.
Molecular consequence: missense variant.
Genome position (GRCh38, 1-based): chr1:32,274,791, T>G. VCF-style: chr1-32274791-T-G. GRCh37 (hg19) VCF-style: chr1-32740392-T-G.
Other names: c.160T>G, p.Ser54Ala (NM_001042771.3, NM_001330468.2); short protein forms S54A.
Identifiers: ClinVar variation 840790 (VCV000840790.9), dbSNP rs540222297, ClinGen allele CA740997.

ClinVar aggregate classification (germline): Uncertain significance. Review status: criteria provided, multiple submitters, no conflicts (2 of 4 stars). 2 submissions from 2 submitters: Uncertain significance (2). Last evaluated 2026-04-01.

Conditions:
Severe combined immunodeficiency due to LCK deficiency. Also called: Immunodeficiency 22. Identifiers: Orphanet 280142, MedGen C4014233, MONDO:0014334, OMIM 615758.

Allele frequency attached by ClinVar (database versions not stated): gnomAD exomes 0.00001 and 0.00002; ExAC 0.00003; gnomAD 0.00003; TOPMed 0.00004; 1000 Genomes Project 0.00020; 1000 Genomes Project 30x 0.00031.
gnomAD v4.1: 10 of 1,613,342 alleles (0.00062%); highest among the groups gnomAD compares: African/African-American, 0.0093%; no homozygotes.

Submissions (2):

Women's Health and Genetics/Laboratory Corporation of America, LabCorp
Classification: Uncertain significance. Last evaluated: 2026-04-01. Review status: criteria provided, single submitter. Criteria: LabCorp Variant Classification Summary - May 2015. Collection method: clinical testing. Allele origin: germline.
Comment: Variant summary: LCK c.160T>G (p.Ser54Ala) results in a conservative amino acid change in the encoded protein sequence. Algorithms developed to predict the effect of missense changes on protein structure and function all suggest that this variant is likely to be tolerated. The variant allele was found at a frequency of 2e-05 in 250876 control chromosomes. The available data on variant occurrences in the general population are insufficient to allow any conclusion about variant significance. To our knowledge, no occurrence of c.160T>G in individuals affected with LCK-related conditions and no experimental evidence demonstrating its impact on protein function have been reported. ClinVar contains an entry for this variant (Variation ID: 840790). Based on the evidence outlined above, the variant was classified as uncertain significance.

Labcorp Genetics (formerly Invitae), Labcorp
Classification: Uncertain significance for Severe combined immunodeficiency due to LCK deficiency. Last evaluated: 2023-07-17. Review status: criteria provided, single submitter. Criteria: Invitae Variant Classification Sherloc (09022015). Collection method: clinical testing. Allele origin: germline.
Comment: This sequence change replaces serine, which is neutral and polar, with alanine, which is neutral and non-polar, at codon 54 of the LCK protein (p.Ser54Ala). This variant is present in population databases (rs540222297, gnomAD 0.01%). This variant has not been reported in the literature in individuals affected with LCK-related conditions. ClinVar contains an entry for this variant (Variation ID: 840790). An algorithm developed to predict the effect of missense changes on protein structure and function (PolyPhen-2) suggests that this variant¬†is likely to be tolerated. In summary, the available evidence is currently insufficient to determine the role of this variant in disease. Therefore, it has been classified as a Variant of Uncertain Significance.